The following is an entry in ClinVar:

NM_000081.4(LYST):c.9053G>A (p.Arg3018Gln)

Gene: LYST (lysosomal trafficking regulator; minus strand). Cytogenetic location: 1q42.3.
Variant type: single nucleotide variant.
Coding change: c.9053G>A on transcript NM_000081.4 (MANE Select); coding-DNA position 9053, G replaced by A.
Protein change: p.Arg3018Gln; replaces arginine 3018 with glutamine.
Molecular consequence: missense variant.
Genome position (GRCh38, 1-based): chr1:235,729,649, C>T on the plus strand (G>A on the coding strand, the complement: LYST is on the minus strand). VCF-style: chr1-235729649-C-T. GRCh37 (hg19) VCF-style: chr1-235892949-C-T.
Other names: c.9053G>A, p.Arg3018Gln (NM_001301365.1); short protein forms R3018Q.
Identifiers: ClinVar variation 642144 (VCV000642144.3), dbSNP rs367792096, ClinGen allele CA1465686.

ClinVar aggregate classification (germline): Uncertain significance (1 of 4 stars; one submission).

Conditions:
Chédiak-Higashi syndrome (CHS). Also called: Chediak-Higashi Syndrome. Identifiers: Orphanet 167, MedGen C0007965, MONDO:0008963, OMIM 214500.

Allele frequency attached by ClinVar (database versions not stated): ExAC 0.00001; gnomAD 0.00001; ESP Exome Variant Server 0.00008.
gnomAD v4.1: 5 of 1,604,336 alleles (0.00031%); highest among the groups gnomAD compares: African/African-American, 0.0013%; no homozygotes.

Submission:

Labcorp Genetics (formerly Invitae), Labcorp
Classification: Uncertain significance for Chédiak-Higashi syndrome. Last evaluated: 2022-05-04. Review status: criteria provided, single submitter. Criteria: Invitae Variant Classification Sherloc (09022015). Collection method: clinical testing. Allele origin: germline.
Comment: This sequence change replaces arginine, which is basic and polar, with glutamine, which is neutral and polar, at codon 3018 of the LYST protein (p.Arg3018Gln). This variant is present in population databases (rs367792096, gnomAD 0.0009%). This variant has not been reported in the literature in individuals affected with LYST-related conditions. ClinVar contains an entry for this variant (Variation ID: 642144). Algorithms developed to predict the effect of missense changes on protein structure and function are either unavailable or do not agree on the potential impact of this missense change (SIFT: "Tolerated"; PolyPhen-2: "Probably Damaging"; Align-GVGD: "Class C0"). In summary, the available evidence is currently insufficient to determine the role of this variant in disease. Therefore, it has been classified as a Variant of Uncertain Significance.